The following is an entry in ClinVar:

ClinVar aggregate classification (germline): Uncertain significance (1 of 4 stars; one submission).

Conditions:
Leber congenital amaurosis 4 (LCA4). Identifiers: MedGen C1858386, MONDO:0011458, OMIM 604393.

Allele frequency attached by ClinVar (database versions not stated): gnomAD 0.00001.
gnomAD v4.1: 6 of 1,614,050 alleles (0.00037%); highest among the groups gnomAD compares: Non-Finnish European, 0.00051%; no homozygotes.

Submission:

Labcorp Genetics (formerly Invitae), Labcorp
Classification: Uncertain significance for Leber congenital amaurosis 4. Last evaluated: 2022-01-05. Review status: criteria provided, single submitter. Criteria: Invitae Variant Classification Sherloc (09022015). Collection method: clinical testing. Allele origin: germline.
Comment: This variant is present in population databases (no rsID available, gnomAD 0.007%). This sequence change replaces arginine, which is basic and polar, with glutamine, which is neutral and polar, at codon 32 of the AIPL1 protein (p.Arg32Gln). This variant has not been reported in the literature in individuals affected with AIPL1-related conditions. In summary, the available evidence is currently insufficient to determine the role of this variant in disease. Therefore, it has been classified as a Variant of Uncertain Significance. Algorithms developed to predict the effect of sequence changes on RNA splicing suggest that this variant is not likely to affect RNA splicing. Algorithms developed to predict the effect of missense changes on protein structure and function (SIFT, PolyPhen-2, Align-GVGD) all suggest that this variant is likely to be tolerated.

NM_014336.5(AIPL1):c.95G>A (p.Arg32Gln)

Gene: AIPL1 (AIP like 1 HSP90 co-chaperone; minus strand). Cytogenetic location: 17p13.2.
Variant type: single nucleotide variant.
Coding change: c.95G>A on transcript NM_014336.5 (MANE Select); coding-DNA position 95, G replaced by A.
Protein change: p.Arg32Gln; replaces arginine 32 with glutamine.
Molecular consequence: missense variant. On other transcripts: 5 prime UTR variant (1).
Genome position (GRCh38, 1-based): chr17:6,435,010, C>T on the plus strand (G>A on the coding strand, the complement: AIPL1 is on the minus strand). VCF-style: chr17-6435010-C-T. GRCh37 (hg19) VCF-style: chr17-6338330-C-T.
Other names: c.95G>A, p.Arg32Gln (NM_001033054.3, NM_001033055.3, NM_001285399.3 and 3 more transcripts); c.-81G>A (NM_001285402.2); short protein forms R32Q.
Identifiers: ClinVar variation 2082466 (VCV002082466.4), dbSNP rs1377279163, ClinGen allele CA397397740.